The following is an entry in ClinVar:

NM_001378454.1(ALMS1):c.2403T>C (p.Thr801=)

Gene: ALMS1 (ALMS1 centrosome and basal body associated protein; plus strand). Cytogenetic location: 2p13.1.
Variant type: single nucleotide variant.
Coding change: c.2403T>C on transcript NM_001378454.1 (MANE Select); coding-DNA position 2403, T replaced by C.
Protein change: p.Thr801=; no amino-acid change (threonine 801 retained).
Molecular consequence: synonymous variant.
Genome position (GRCh38, 1-based): chr2:73,448,930, T>C. VCF-style: chr2-73448930-T-C. GRCh37 (hg19) VCF-style: chr2-73676057-T-C.
Other names: c.2406T>C, p.Thr802= (NM_015120.4).
Identifiers: ClinVar variation 1790805 (VCV001790805.8), dbSNP rs369159368, ClinGen allele CA50391571.

ClinVar aggregate classification (germline): Conflicting classifications of pathogenicity. Review status: criteria provided, conflicting classifications (1 of 4 stars). 3 submissions from 3 submitters: Uncertain significance (1); Likely benign (2). Last evaluated 2024-07-30.

Conditions:
Cardiovascular phenotype. Identifiers: MedGen CN230736.
Alstrom syndrome (ALMS). Identifiers: Orphanet 64, MedGen C0268425, MONDO:0008763, OMIM 203800.

Submissions (3):

Labcorp Genetics (formerly Invitae), Labcorp
Classification: Likely benign for Alstrom syndrome. Last evaluated: 2024-07-30. Review status: criteria provided, single submitter. Criteria: Invitae Variant Classification Sherloc (09022015). Collection method: clinical testing. Allele origin: germline.

GeneDx
Classification: Uncertain significance. Last evaluated: 2023-05-15. Review status: criteria provided, single submitter. Criteria: GeneDx Variant Classification Process June 2021. Collection method: clinical testing. Allele origin: germline. Affected: yes.
Comment: Not observed at significant frequency in large population cohorts (gnomAD); In silico analysis supports that this variant does not alter splicing; Has not been previously published as pathogenic or benign to our knowledge

Ambry Genetics
Classification: Likely benign for Cardiovascular phenotype. Last evaluated: 2022-01-23. Review status: criteria provided, single submitter. Criteria: Ambry Variant Classification Scheme 2023. Collection method: clinical testing. Allele origin: germline.